The following is an entry in ClinVar:

ClinVar aggregate classification (germline): Benign/Likely benign. Review status: criteria provided, multiple submitters, no conflicts (2 of 4 stars). 5 submissions from 5 submitters: Benign (4); Likely benign (1). Last evaluated 2026-01-18.

Conditions:
Familial thoracic aortic aneurysm and aortic dissection (TAAD). Also called: Thoracic aortic aneurysms and dissections. Identifiers: Orphanet 91387, MedGen C4707243, MONDO:0019625.

Allele frequency attached by ClinVar (database versions not stated): gnomAD exomes 0.00164; ExAC 0.00204; 1000 Genomes Project 30x 0.00687; gnomAD 0.00709 and 0.00774; 1000 Genomes Project 0.00739; TOPMed 0.00780; ESP Exome Variant Server 0.00869.
gnomAD v4.1: 2,191 of 1,613,828 alleles (0.14%); highest among the groups gnomAD compares: African/African-American, 2.4%; 26 homozygotes.

Submissions (5):

Labcorp Genetics (formerly Invitae), Labcorp
Classification: Benign for Familial thoracic aortic aneurysm and aortic dissection. Last evaluated: 2026-01-18. Review status: criteria provided, single submitter. Criteria: Invitae Variant Classification Sherloc (09022015). Collection method: clinical testing. Allele origin: germline.

Genomic Medicine Center of Excellence, King Faisal Specialist Hospital and Research Centre
Classification: Likely benign. Last evaluated: 2025-08-18. Review status: criteria provided, single submitter. Criteria: ACMG Guidelines, 2015. Collection method: clinical testing. Allele origin: germline.

Women's Health and Genetics/Laboratory Corporation of America, LabCorp
Classification: Benign. Last evaluated: 2023-08-10. Review status: criteria provided, single submitter. Criteria: LabCorp Variant Classification Summary - May 2015. Collection method: clinical testing. Allele origin: germline.

GeneDx
Classification: Benign. Last evaluated: 2016-12-06. Review status: criteria provided, single submitter. Criteria: GeneDx Variant Classification (06012015). Collection method: clinical testing. Allele origin: germline. Affected: yes.
Comment: This variant is considered likely benign or benign based on one or more of the following criteria: it is a conservative change, it occurs at a poorly conserved position in the protein, it is predicted to be benign by multiple in silico algorithms, and/or has population frequency not consistent with disease.

Breakthrough Genomics
Classification: Benign. Review status: criteria provided, single submitter. Criteria: ACMG Guidelines, 2015. Collection method: not provided. Allele origin: germline. Inheritance: Unknown mechanism. Affected: yes.

NM_005911.6(MAT2A):c.406-19G>A

Genes: GGCX (gamma-glutamyl carboxylase; minus strand), MAT2A (methionine adenosyltransferase 2A; plus strand). Cytogenetic location: 2p11.2.
Variant type: single nucleotide variant.
Coding change: c.406-19G>A on transcript NM_005911.6 (MANE Select); 19 bases into the intron before coding-DNA position 406, G replaced by A.
Molecular consequence: intron variant.
Genome position (GRCh38, 1-based): chr2:85,541,810, G>A. VCF-style: chr2-85541810-G-A. GRCh37 (hg19) VCF-style: chr2-85768933-G-A.
Identifiers: ClinVar variation 387337 (VCV000387337.13), dbSNP rs114500620, ClinGen allele CA1741407.